The following is an entry in ClinVar:

NC_000007.13:g.(75583499_75601730)_(75613175_75614094)del

Gene: POR (cytochrome p450 oxidoreductase; plus strand). Cytogenetic location: 7q11.23.
Variant type: Deletion.
Identifiers: ClinVar variation 4689426 (VCV004689426.1).

ClinVar aggregate classification (germline): Pathogenic (1 of 4 stars; one submission).

Conditions:
Congenital adrenal hyperplasia. Identifiers: Orphanet 418, MedGen C0001627, MONDO:0018479, HP:0008258.

Submission:

Women's Health and Genetics/Laboratory Corporation of America, LabCorp
Classification: Pathogenic for Congenital adrenal hyperplasia. Last evaluated: 2026-01-13. Review status: criteria provided, single submitter. Criteria: LabCorp Variant Classification Summary - May 2015. Collection method: clinical testing. Allele origin: germline.
Comment: Variant summary: The variant involves the deletion of exons 3-10 in the POR gene. A presumed nomenclature of c.(179+1_180-1)_(1057+1_1058-1)del has been designated for the purposes of this classification. This Copy Number Variant (CNV) is expected to alter the reading frame and predicted to result in a truncation or absence of the encoded protein due to nonsense mediated decay (NMD). Loss-of-function variants in this gene are known to be pathogenic. The variant was absent in 21694 control chromosomes. To our knowledge, no occurrence of c.(179+1_180-1)_(1057+1_1058-1)del in individuals affected with POR-related conditions and no experimental evidence demonstrating its impact on protein function have been reported. No submitters have cited clinical-significance assessments for this variant to ClinVar. Based on the evidence outlined above, the variant was classified as pathogenic.